The following is an entry in ClinVar:

NM_033380.3(COL4A5):c.555T>C (p.Pro185=)

Gene: COL4A5 (collagen type IV alpha 5 chain; plus strand). Cytogenetic location: Xq22.3.
Variant type: single nucleotide variant.
Coding change: c.555T>C on transcript NM_033380.3 (MANE Select); coding-DNA position 555, T replaced by C.
Protein change: p.Pro185=; no amino-acid change (proline 185 retained).
Molecular consequence: synonymous variant.
Genome position (GRCh38, 1-based): chrX:108,575,918, T>C. VCF-style: chrX-108575918-T-C. GRCh37 (hg19) VCF-style: chrX-107819148-T-C.
Other names: c.555T>C, p.Pro185= (NM_000495.5); c.555T>C (NM_033380.1).
Identifiers: ClinVar variation 1077969 (VCV001077969.10), dbSNP rs1261311680, ClinGen allele CA517991663.

ClinVar aggregate classification (germline): Conflicting classifications of pathogenicity. Review status: criteria provided, conflicting classifications (1 of 4 stars). 2 submissions from 2 submitters: Uncertain significance (1); Likely benign (1). Last evaluated 2025-01-08.

Allele frequency attached by ClinVar (database versions not stated): gnomAD exomes below 0.00001; TOPMed below 0.00001; gnomAD 0.00001.

Submissions (2):

Labcorp Genetics (formerly Invitae), Labcorp
Classification: Likely benign. Last evaluated: 2025-01-08. Review status: criteria provided, single submitter. Criteria: Invitae Variant Classification Sherloc (09022015). Collection method: clinical testing. Allele origin: germline.

GeneDx
Classification: Uncertain significance. Last evaluated: 2024-05-16. Review status: criteria provided, single submitter. Criteria: GeneDx Variant Classification Process June 2021. Collection method: clinical testing. Allele origin: germline. Affected: yes.
Comment: Not observed at significant frequency in large population cohorts (gnomAD); In silico analysis indicates that this variant does not alter splicing; Has not been previously published as pathogenic or benign to our knowledge